The following is an entry in ClinVar:

ClinVar aggregate classification (germline): Likely benign (1 of 4 stars; one submission).

Allele frequency attached by ClinVar (database versions not stated): gnomAD 0.00001; TOPMed 0.00002.
gnomAD v4.1: 5 of 1,613,626 alleles (0.00031%); highest among the groups gnomAD compares: African/African-American, 0.0053%; no homozygotes.

Submission:

CeGaT Center for Human Genetics Tuebingen
Classification: Likely benign. Last evaluated: 2023-02-01. Review status: criteria provided, single submitter. Criteria: CeGaT Center For Human Genetics Tuebingen Variant Classification Criteria Version 2. Collection method: clinical testing. Allele origin: germline. Affected: yes. Observed: 1 variant allele.
Comment: CD99: BP4, BS2

NM_002414.5(CD99):c.198C>A (p.Asp66Glu)

Gene: CD99 (CD99 molecule (Xg blood group); plus strand). Cytogenetic location: Xp22.33.
Variant type: single nucleotide variant.
Coding change: c.198C>A on transcript NM_002414.5 (MANE Select); coding-DNA position 198, C replaced by A.
Protein change: p.Asp66Glu; replaces aspartic acid 66 with glutamic acid.
Molecular consequence: missense variant. On other transcripts: non-coding transcript variant (1).
Genome position (GRCh38, 1-based): chrX:2,720,360, C>A. VCF-style: chrX-2720360-C-A. GRCh37 (hg19) VCF-style: chrX-2638401-C-A.
Other names: c.150C>A, p.Asp50Glu (NM_001122898.3, NM_001321369.2); c.198C>A, p.Asp66Glu (NM_001321367.2, NM_001321368.2, NM_001321370.2); short protein forms D50E, D66E.
Identifiers: ClinVar variation 2659860 (VCV002659860.24), dbSNP rs1230661797, ClinGen allele CA412256896.